The following is an entry in ClinVar:

NM_080680.3(COL11A2):c.86C>T (p.Ala29Val)

Gene: COL11A2 (collagen type XI alpha 2 chain; minus strand). Cytogenetic location: 6p21.32.
Variant type: single nucleotide variant.
Coding change: c.86C>T on transcript NM_080680.3 (MANE Select); coding-DNA position 86, C replaced by T.
Protein change: p.Ala29Val; replaces alanine 29 with valine.
Molecular consequence: missense variant.
Genome position (GRCh38, 1-based): chr6:33,189,466, G>A on the plus strand (C>T on the coding strand, the complement: COL11A2 is on the minus strand). VCF-style: chr6-33189466-G-A. GRCh37 (hg19) VCF-style: chr6-33157243-G-A.
Other names: c.86C>T, p.Ala29Val (NM_001163771.2, NM_080679.3, NM_080681.3); short protein forms A29V.
Identifiers: ClinVar variation 1306962 (VCV001306962.7), dbSNP rs2150625714, ClinGen allele CA363613535.

ClinVar aggregate classification (germline): Uncertain significance. Review status: criteria provided, multiple submitters, no conflicts (2 of 4 stars). 2 submissions from 2 submitters: Uncertain significance (2). Last evaluated 2025-12-29.

gnomAD v4.1: 1 of 1,613,068 alleles (0.000062%); highest among the groups gnomAD compares: Non-Finnish European, 0.000085%; no homozygotes.

Submissions (2):

Labcorp Genetics (formerly Invitae), Labcorp
Classification: Uncertain significance. Last evaluated: 2025-12-29. Review status: criteria provided, single submitter. Criteria: Invitae Variant Classification Sherloc (09022015). Collection method: clinical testing. Allele origin: germline.
Comment: This sequence change replaces alanine, which is neutral and non-polar, with valine, which is neutral and non-polar, at codon 29 of the COL11A2 protein (p.Ala29Val). This variant is not present in population databases (gnomAD no frequency). This variant has not been reported in the literature in individuals affected with COL11A2-related conditions. ClinVar contains an entry for this variant (Variation ID: 1306962). Invitae Evidence Modeling of protein sequence and biophysical properties (such as structural, functional, and spatial information, amino acid conservation, physicochemical variation, residue mobility, and thermodynamic stability) indicates that this missense variant is not expected to disrupt COL11A2 protein function with a negative predictive value of 95%. In summary, the available evidence is currently insufficient to determine the role of this variant in disease. Therefore, it has been classified as a Variant of Uncertain Significance.

GeneDx
Classification: Uncertain significance. Last evaluated: 2019-07-15. Review status: criteria provided, single submitter. Criteria: GeneDx Variant Classification Process June 2021. Collection method: clinical testing. Allele origin: germline. Affected: yes.
Comment: Not observed at a significant frequency in large population cohorts (Lek et al., 2016); In silico analysis, which includes protein predictors and evolutionary conservation, supports that this variant does not alter protein structure/function; Has not been previously published as pathogenic or benign to our knowledge